The following is an entry in ClinVar:

NM_001378454.1(ALMS1):c.4831C>A (p.Pro1611Thr)

Gene: ALMS1 (ALMS1 centrosome and basal body associated protein; plus strand). Cytogenetic location: 2p13.1.
Variant type: single nucleotide variant.
Coding change: c.4831C>A on transcript NM_001378454.1 (MANE Select); coding-DNA position 4831, C replaced by A.
Protein change: p.Pro1611Thr; replaces proline 1611 with threonine.
Molecular consequence: missense variant.
Genome position (GRCh38, 1-based): chr2:73,451,358, C>A. VCF-style: chr2-73451358-C-A. GRCh37 (hg19) VCF-style: chr2-73678485-C-A.
Other names: c.4834C>A, p.Pro1612Thr (NM_015120.4); short protein forms P1611T, P1612T.
Identifiers: ClinVar variation 4760405 (VCV004760405.1).

ClinVar aggregate classification (germline): Uncertain significance (1 of 4 stars; one submission).

Conditions:
Alstrom syndrome (ALMS). Identifiers: Orphanet 64, MedGen C0268425, MONDO:0008763, OMIM 203800.

gnomAD v4.1: 2 of 1,613,976 alleles (0.00012%); highest among the groups gnomAD compares: Admixed American, 0.0017%; no homozygotes.

Submission:

Labcorp Genetics (formerly Invitae), Labcorp
Classification: Uncertain significance for Alstrom syndrome. Last evaluated: 2025-05-02. Review status: criteria provided, single submitter. Criteria: Invitae Variant Classification Sherloc (09022015). Collection method: clinical testing. Allele origin: germline.
Comment: This sequence change replaces proline, which is neutral and non-polar, with threonine, which is neutral and polar, at codon 1612 of the ALMS1 protein (p.Pro1612Thr). This variant is present in population databases (no rsID available, gnomAD 0.003%). This variant has not been reported in the literature in individuals affected with ALMS1-related conditions. An algorithm developed to predict the effect of missense changes on protein structure and function outputs the following: PolyPhen-2: "Not Available". The threonine amino acid residue is found in multiple mammalian species, which suggests that this missense change does not adversely affect protein function. In summary, the available evidence is currently insufficient to determine the role of this variant in disease. Therefore, it has been classified as a Variant of Uncertain Significance.